The following is an entry in ClinVar:

NM_001999.4(FBN2):c.6209G>T (p.Gly2070Val)

Gene: FBN2 (fibrillin 2; minus strand). Cytogenetic location: 5q23.3.
Variant type: single nucleotide variant.
Coding change: c.6209G>T on transcript NM_001999.4 (MANE Select); coding-DNA position 6209, G replaced by T.
Protein change: p.Gly2070Val; replaces glycine 2070 with valine.
Molecular consequence: missense variant.
Genome position (GRCh38, 1-based): chr5:128,291,612, C>A on the plus strand (G>T on the coding strand, the complement: FBN2 is on the minus strand). VCF-style: chr5-128291612-C-A. GRCh37 (hg19) VCF-style: chr5-127627304-C-A.
Other names: short protein forms G2070V.
Identifiers: ClinVar variation 1308226 (VCV001308226.3), dbSNP rs1749324727, ClinGen allele CA360764500.
Genomic context (GRCh38, chr5:128,291,612, plus strand): 5'-GATAGTACAAAGCCAGGGGGGCAGAGGCACTGGAAGCCCCCTGGAGTATTAGTACAGGAA[C>A]CAAAAAGACAAATGTTGGGATCTTCATCACATTCATTTATATCTGCAGAACAGGGGGAGT-3'
Protein context (NP_001990.2, residues 2060-2080): CDEDPNICLF[Gly2070Val]SCTNTPGGFQ

ClinVar aggregate classification (germline): Uncertain significance. Review status: criteria provided, multiple submitters, no conflicts (2 of 4 stars). 2 submissions from 2 submitters: Uncertain significance (2). Last evaluated 2024-12-20.

Conditions:
Familial thoracic aortic aneurysm and aortic dissection (TAAD). Also called: Thoracic aortic aneurysms and dissections. Identifiers: Orphanet 91387, MedGen C4707243, MONDO:0019625.

Submissions (2):

Ambry Genetics
Classification: Uncertain significance for Familial thoracic aortic aneurysm and aortic dissection. Last evaluated: 2024-12-20. Review status: criteria provided, single submitter. Criteria: Ambry Variant Classification Scheme 2023. Collection method: clinical testing. Allele origin: germline.
Comment: The p.G2070V variant (also known as c.6209G>T), located in coding exon 49 of the FBN2 gene, results from a G to T substitution at nucleotide position 6209. The glycine at codon 2070 is replaced by valine, an amino acid with dissimilar properties. This amino acid position is highly conserved in available vertebrate species. In addition, this alteration is predicted to be deleterious by in silico analysis. Based on the available evidence, the clinical significance of this variant remains unclear.

GeneDx
Classification: Uncertain significance. Last evaluated: 2019-03-15. Review status: criteria provided, single submitter. Criteria: GeneDx Variant Classification Process June 2021. Collection method: clinical testing. Allele origin: germline. Affected: yes.
Comment: Has not been previously published as pathogenic or benign to our knowledge; Not observed in large population cohorts (Lek et al., 2016); In silico analysis, which includes protein predictors and evolutionary conservation, supports a deleterious effect; Although located in a calcium-binding EGF-like domain of the FBN2 gene, it does not affect a cysteine residue within this domain; cysteine substitutions in the calcium-binding EGF-like domains represent the majority of pathogenic missense changes associated with FBN2-related disorders (Collod-Beroud et al., 2003; Frederic et al., 2009)